The following is an entry in ClinVar:

NM_001430.5(EPAS1):c.2171G>A (p.Gly724Glu)

Gene: EPAS1 (endothelial PAS domain protein 1; plus strand). Cytogenetic location: 2p21.
Variant type: single nucleotide variant.
Coding change: c.2171G>A on transcript NM_001430.5 (MANE Select); coding-DNA position 2171, G replaced by A.
Protein change: p.Gly724Glu; replaces glycine 724 with glutamic acid.
Molecular consequence: missense variant.
Genome position (GRCh38, 1-based): chr2:46,381,721, G>A. VCF-style: chr2-46381721-G-A. GRCh37 (hg19) VCF-style: chr2-46608860-G-A.
Other names: short protein forms G724E.
Identifiers: ClinVar variation 336273 (VCV000336273.10), dbSNP rs200723248, ClinGen allele CA1645238.

ClinVar aggregate classification (germline): Benign/Likely benign. Review status: criteria provided, multiple submitters, no conflicts (2 of 4 stars). 3 submissions from 3 submitters: Benign (2); Likely benign (1). Last evaluated 2025-11-23.

Conditions:
Inborn genetic diseases. Identifiers: MedGen C0950123, MeSH D030342.
Erythrocytosis, familial, 4 (ECYT4). Identifiers: Orphanet 247511, MedGen C2673187, MONDO:0012729, OMIM 611783.

Allele frequency attached by ClinVar (database versions not stated): TOPMed 0.00009; ESP Exome Variant Server 0.00008; ExAC 0.00013; gnomAD exomes 0.00024.
gnomAD v4.1: 206 of 1,613,682 alleles (0.013%); highest among the groups gnomAD compares: Middle Eastern, 0.016%; 1 homozygote.

Submissions (3):

Labcorp Genetics (formerly Invitae), Labcorp
Classification: Benign. Last evaluated: 2025-11-23. Review status: criteria provided, single submitter. Criteria: Invitae Variant Classification Sherloc (09022015). Collection method: clinical testing. Allele origin: germline.

Ambry Genetics
Classification: Likely benign for Inborn genetic diseases. Last evaluated: 2022-09-24. Review status: criteria provided, single submitter. Criteria: Ambry Variant Classification Scheme 2023. Collection method: clinical testing. Allele origin: germline.

Illumina Laboratory Services, Illumina
Classification: Benign for Erythrocytosis, familial, 4. Last evaluated: 2018-01-13. Review status: criteria provided, single submitter. Criteria: ICSL Variant Classification Criteria 13 December 2019. Collection method: clinical testing. Allele origin: germline.
Comment: This variant was observed in the ICSL laboratory as part of a predisposition screen in an ostensibly healthy population. It had not been previously curated by ICSL or reported in the Human Gene Mutation Database (HGMD: prior to June 1st, 2018), and was therefore a candidate for classification through an automated scoring system. Utilizing variant allele frequency, disease prevalence and penetrance estimates, and inheritance mode, an automated score was calculated to assess if this variant is too frequent to cause the disease. Based on the score and internal cut-off values, a variant classified as benign is not then subjected to further curation. The score for this variant resulted in a classification of benign for this disease.